The following is an entry in ClinVar:

ClinVar aggregate classification (germline): Uncertain significance (1 of 4 stars; one submission).

Allele frequency attached by ClinVar (database versions not stated): gnomAD exomes below 0.00001.
gnomAD v4.1: 2 of 1,614,068 alleles (0.00012%); highest among the groups gnomAD compares: Non-Finnish European, 0.000085%; no homozygotes.

Submission:

Labcorp Genetics (formerly Invitae), Labcorp
Classification: Uncertain significance. Last evaluated: 2023-07-16. Review status: criteria provided, single submitter. Criteria: Invitae Variant Classification Sherloc (09022015). Collection method: clinical testing. Allele origin: germline.
Comment: This variant has not been reported in the literature in individuals affected with ETV6-related conditions. In summary, the available evidence is currently insufficient to determine the role of this variant in disease. Therefore, it has been classified as a Variant of Uncertain Significance. Advanced modeling of protein sequence and biophysical properties (such as structural, functional, and spatial information, amino acid conservation, physicochemical variation, residue mobility, and thermodynamic stability) performed at Invitae indicates that this missense variant is not expected to disrupt ETV6 protein function. This variant is not present in population databases (gnomAD no frequency). This sequence change replaces phenylalanine, which is neutral and non-polar, with leucine, which is neutral and non-polar, at codon 77 of the ETV6 protein (p.Phe77Leu).

NM_001987.5(ETV6):c.229T>C (p.Phe77Leu)

Genes: ETV6 (ETS variant transcription factor 6; plus strand), LOC126861451 (BRD4-independent group 4 enhancer GRCh37_chr12:11991350-11992549; plus strand). Cytogenetic location: 12p13.2.
Variant type: single nucleotide variant.
Coding change: c.229T>C on transcript NM_001987.5 (MANE Select); coding-DNA position 229, T replaced by C.
Protein change: p.Phe77Leu; replaces phenylalanine 77 with leucine.
Molecular consequence: missense variant. On other transcripts: 5 prime UTR variant (1).
Genome position (GRCh38, 1-based): chr12:11,839,205, T>C. VCF-style: chr12-11839205-T-C. GRCh37 (hg19) VCF-style: chr12-11992139-T-C.
Other names: c.226T>C, p.Phe76Leu (NM_001413913.1); c.202T>C, p.Phe68Leu (NM_001413914.1); c.-36T>C (NM_001413915.1); c.229T>C, p.Phe77Leu (NM_001413916.1, NM_001413917.1, NM_001413918.1); short protein forms F68L, F76L, F77L.
Identifiers: ClinVar variation 2976963 (VCV002976963.3), dbSNP rs1591710563, ClinGen allele CA384042675.